The following is an entry in ClinVar:

NM_012120.3(CD2AP):c.*20C>G

Gene: CD2AP (CD2 associated protein; plus strand). Cytogenetic location: 6p12.3.
Variant type: single nucleotide variant.
Coding change: c.*20C>G on transcript NM_012120.3 (MANE Select); 20 bases downstream of the stop codon, C replaced by G.
Molecular consequence: 3 prime UTR variant.
Genome position (GRCh38, 1-based): chr6:47,624,247, C>G. VCF-style: chr6-47624247-C-G. GRCh37 (hg19) VCF-style: chr6-47591983-C-G.
Identifiers: ClinVar variation 357180 (VCV000357180.5), dbSNP rs149303011, ClinGen allele CA3844517.

ClinVar aggregate classification (germline): Benign (1 of 4 stars; one submission).

Conditions:
Focal segmental glomerulosclerosis 3, susceptibility to (FSGS3). Identifiers: Orphanet 656, MedGen C1842982, MONDO:0011917, OMIM 607832.

Allele frequency attached by ClinVar (database versions not stated): gnomAD exomes 0.00005 and 0.00023; gnomAD 0.00009 and 0.00011; TOPMed 0.00014; ExAC 0.00021; 1000 Genomes Project 30x 0.00031; 1000 Genomes Project 0.00040.
gnomAD v4.1: 95 of 1,597,750 alleles (0.0059%); highest among the groups gnomAD compares: East Asian, 0.2%; no homozygotes.

Submission:

Illumina Laboratory Services, Illumina
Classification: Benign for Focal segmental glomerulosclerosis 3, susceptibility to. Last evaluated: 2018-01-13. Review status: criteria provided, single submitter. Criteria: ICSL Variant Classification Criteria 13 December 2019. Collection method: clinical testing. Allele origin: germline.
Comment: This variant was observed in the ICSL laboratory as part of a predisposition screen in an ostensibly healthy population. It had not been previously curated by ICSL or reported in the Human Gene Mutation Database (HGMD: prior to June 1st, 2018), and was therefore a candidate for classification through an automated scoring system. Utilizing variant allele frequency, disease prevalence and penetrance estimates, and inheritance mode, an automated score was calculated to assess if this variant is too frequent to cause the disease. Based on the score and internal cut-off values, a variant classified as benign is not then subjected to further curation. The score for this variant resulted in a classification of benign for this disease.